The following is an entry in ClinVar:

ClinVar aggregate classification (germline): Uncertain significance. Review status: criteria provided, multiple submitters, no conflicts (2 of 4 stars). 2 submissions from 2 submitters: Uncertain significance (2). Last evaluated 2025-10-17.

Conditions:
Inborn genetic diseases. Identifiers: MedGen C0950123, MeSH D030342.
Hydrocephalus, nonsyndromic, autosomal recessive 1 (HYC1). Also called: Hydrocephalus, nonsyndromic, autosomal recessive; Congenital hydrocephalus 1. Identifiers: Orphanet 2185, MedGen C3887608, MONDO:0009360, OMIM 236600.

Submissions (2):

Myriad Genetics, Inc.
Classification: Uncertain significance for Hydrocephalus, nonsyndromic, autosomal recessive 1. Last evaluated: 2025-10-17. Review status: criteria provided, single submitter. Criteria: Myriad Autosomal Dominant, Autosomal Recessive and X-Linked Classification Criteria (2023). Collection method: clinical testing. Allele origin: unknown.
Comment: NM_001080414.3(CCDC88C):c.2929_2931delGAA(E977del) is an in-frame deletion classified as a variant of uncertain significance in the context of congenital hydrocephalus, CCDC88C-related. E977del has not been observed in cases with relevant disease. Relevant functional assessments of this variant are not available in the literature. E977del has not been observed in referenced population frequency databases. In summary, there is insufficient evidence to classify NM_001080414.3(CCDC88C):c.2929_2931delGAA(E977del) as pathogenic or benign. Please note: this variant was assessed in the context of healthy population screening.

Ambry Genetics
Classification: Uncertain significance for Inborn genetic diseases. Last evaluated: 2022-08-24. Review status: criteria provided, single submitter. Criteria: Ambry Variant Classification Scheme 2023. Collection method: clinical testing. Allele origin: germline.
Comment: The c.2929_2931delGAA (p.E977del) alteration is located in exon 17 (coding exon 17) of the CCDC88C gene. This alteration consists of an in-frame deletion of 3 nucleotides between nucleotide positions c.2929 and c.2931, resulting in the deletion of 1 residue. Based on insufficient or conflicting evidence, the clinical significance of this alteration remains unclear.

NM_001080414.4(CCDC88C):c.2926GAA[1] (p.Glu977del)

Gene: CCDC88C (coiled-coil and HOOK domain protein 88C; minus strand). Cytogenetic location: 14q32.11.
Variant type: Microsatellite.
Coding change: c.2926GAA[1] on transcript NM_001080414.4 (MANE Select); one copy of the 3-base unit GAA starting at c.2926; the reference has two copies in a row; one copy, 3 bases deleted.
Protein change: p.Glu977del; deletes glutamic acid 977.
Molecular consequence: inframe deletion.
Genome position (GRCh38, 1-based): chr14:91,308,426-91,308,428, TTC deleted on the plus strand (GAA on the coding strand, the reverse complement: CCDC88C is on the minus strand); deleting any 3 consecutive bases within chr14:91,308,426-91,308,433 gives the same sequence; the position shown is the placement nearest the transcript's 3' end. VCF-style (leftmost placement, unchanged base first): chr14-91308425-TTTC-T. GRCh37 (hg19) VCF-style: chr14-91774769-TTTC-T.
Other names: short protein forms E977del.
Identifiers: ClinVar variation 2353951 (VCV002353951.3), dbSNP rs1891654735, ClinGen allele CA2154905128.